The following is an entry in ClinVar:

ClinVar aggregate classification (germline): Likely pathogenic. Review status: criteria provided, single submitter (1 of 4 stars). 2 submissions from 2 submitters: Likely pathogenic (1). 1 of the submissions does not count toward it. Last evaluated 2025-03-12.

Conditions:
Congenital dyserythropoietic anemia, type III (CDAN3A). Also called: ERYTHRORETICULOSIS, HEREDITARY BENIGN; Dyserythropoietic anemia, congenital type 3; ANEMIA WITH MULTINUCLEATED ERYTHROBLASTS. Identifiers: Orphanet 98870, MedGen C5676874, MONDO:0007109, OMIM 105600.

Submissions (2):

Mayo Clinic Laboratories, Mayo Clinic
Classification: Likely pathogenic. Last evaluated: 2025-03-12. Review status: criteria provided, single submitter. Criteria: ACMG Guidelines, 2015. Collection method: clinical testing. Allele origin: germline. Observed: 1 variant allele.
Comment: PP1, PM2_supporting, PS3

OMIM
Classification: Pathogenic for ANEMIA, CONGENITAL DYSERYTHROPOIETIC, TYPE IIIA. Last evaluated: 2022-03-16. Review status: no assertion criteria provided. Collection method: literature only. Allele origin: germline. Not counted in ClinVar's aggregate classification.

Literature cited by the submitters: PubMed 23570799 (cited by Mayo Clinic Laboratories, Mayo Clinic and OMIM); PubMed 13867810 (cited by OMIM); PubMed 14886400 (cited by OMIM).

NM_001367805.3(KIF23):c.2789C>G (p.Pro930Arg)

Gene: KIF23 (kinesin family member 23; plus strand). Cytogenetic location: 15q23.
Variant type: single nucleotide variant.
Coding change: c.2789C>G on transcript NM_001367805.3 (MANE Select); coding-DNA position 2789, C replaced by G.
Protein change: p.Pro930Arg; replaces proline 930 with arginine.
Molecular consequence: missense variant. On other transcripts: non-coding transcript variant (2), intron variant (1).
Genome position (GRCh38, 1-based): chr15:69,446,315, C>G. VCF-style: chr15-69446315-C-G. GRCh37 (hg19) VCF-style: chr15-69738654-C-G.
Other names: p.Pro916Arg; c.2165C>G, p.Pro722Arg (NM_001281301.2); c.2435C>G, p.Pro812Arg (NM_004856.7); c.2747C>G, p.Pro916Arg (NM_138555.4); c.2714+224C>G (NM_001367804.2); short protein forms P916R, P722R, P812R, P930R.
Identifiers: ClinVar variation 1344521 (VCV001344521.2), dbSNP rs2140422904, ClinGen allele CA392993037.